The following is an entry in ClinVar:

ClinVar aggregate classification (germline): Uncertain significance (1 of 4 stars; one submission).

Conditions:
Retinoblastoma (RB1). Also called: RETINOBLASTOMA, SOMATIC. Identifiers: Orphanet 790, MedGen C0035335, MeSH D012175, MONDO:0008380, OMIM 180200, HP:0009919. Disease mechanism: loss of function. Inheritance: Both sporadic and heritable forms are tested..

Submission:

Labcorp Genetics (formerly Invitae), Labcorp
Classification: Uncertain significance for Retinoblastoma. Last evaluated: 2023-04-23. Review status: criteria provided, single submitter. Criteria: Invitae Variant Classification Sherloc (09022015). Collection method: clinical testing. Allele origin: germline.
Comment: In summary, the available evidence is currently insufficient to determine the role of this variant in disease. Therefore, it has been classified as a Variant of Uncertain Significance. Advanced modeling of protein sequence and biophysical properties (such as structural, functional, and spatial information, amino acid conservation, physicochemical variation, residue mobility, and thermodynamic stability) has been performed at Invitae for this missense variant, however the output from this modeling did not meet the statistical confidence thresholds required to predict the impact of this variant on RB1 protein function. This variant has not been reported in the literature in individuals affected with RB1-related conditions. This variant is not present in population databases (gnomAD no frequency). This sequence change replaces serine, which is neutral and polar, with proline, which is neutral and non-polar, at codon 513 of the RB1 protein (p.Ser513Pro).

NM_000321.3(RB1):c.1537T>C (p.Ser513Pro)

Gene: RB1 (RB transcriptional corepressor 1; plus strand). Cytogenetic location: 13q14.2.
Variant type: single nucleotide variant.
Coding change: c.1537T>C on transcript NM_000321.3 (MANE Select); coding-DNA position 1537, T replaced by C.
Protein change: p.Ser513Pro; replaces serine 513 with proline.
Molecular consequence: missense variant.
Genome position (GRCh38, 1-based): chr13:48,381,285, T>C. VCF-style: chr13-48381285-T-C. GRCh37 (hg19) VCF-style: chr13-48955421-T-C.
Other names: c.1537T>C, p.Ser513Pro (NM_001407165.1, NM_001407166.1); short protein forms S513P.
Identifiers: ClinVar variation 2858495 (VCV002858495.3), dbSNP rs2138145015, ClinGen allele CA388163415.